The following is an entry in ClinVar:

ClinVar aggregate classification (germline): Benign. Review status: criteria provided, multiple submitters, no conflicts (2 of 4 stars). 7 submissions from 6 submitters: Benign (7). Last evaluated 2026-02-04.

Conditions:
Junctional epidermolysis bullosa. Identifiers: Orphanet 305, MedGen C0079301, MONDO:0017612.
Junctional epidermolysis bullosa gravis of Herlitz. Also called: Epidermolysis Bullosa Letalis; EPIDERMOLYSIS BULLOSA JUNCTIONALIS, HERLITZ TYPE; EPIDERMOLYSIS BULLOSA, JUNCTIONAL, HERLITZ-PEARSON TYPE; JEB-HERLITZ TYPE; EPIDERMOLYSIS BULLOSA, JUNCTIONAL 1B, SEVERE; Herlitz-type junctional epidermolysis bullosa. Identifiers: Orphanet 79404, MedGen C0079683, MONDO:0009182, OMIM 226700.
Junctional epidermolysis bullosa, non-Herlitz type. Also called: Adult junctional epidermolysis bullosa; COL17A1-Related Junctional Epidermolysis Bullosa; Epidermolysis bullosa, junctional, non-herlitz type, somatic mosaic revertant; EPIDERMOLYSIS BULLOSA JUNCTIONALIS, DISENTIS TYPE; EPIDERMOLYSIS BULLOSA JUNCTIONALIS, NON-HERLITZ TYPE; EPIDERMOLYSIS BULLOSA JUNCTIONALIS, PROGRESSIVE. Identifiers: Orphanet 251393, Orphanet 79402, Orphanet 79405, Orphanet 89840, MedGen C0268374, MONDO:0009180, OMIM 226650.

Allele frequency attached by ClinVar (database versions not stated): ExAC 0.13839; 1000 Genomes Project 0.14497; 1000 Genomes Project 30x 0.15131; ESP Exome Variant Server 0.16177; gnomAD 0.16222 and 0.16512; TOPMed 0.16541.
gnomAD v4.1: 228,937 of 1,613,736 alleles (14%); highest among the groups gnomAD compares: African/African-American, 23%; 17,375 homozygotes.

Submissions (7):

Labcorp Genetics (formerly Invitae), Labcorp
Classification: Benign. Last evaluated: 2026-02-04. Review status: criteria provided, single submitter. Criteria: Invitae Variant Classification Sherloc (09022015). Collection method: clinical testing. Allele origin: germline.

Genome-Nilou Lab
Classification: Benign for Junctional epidermolysis bullosa gravis of Herlitz. Last evaluated: 2021-07-08. Review status: criteria provided, single submitter. Criteria: ACMG Guidelines, 2015. Collection method: clinical testing. Allele origin: germline. Affected: no.

Genome-Nilou Lab
Classification: Benign for Junctional epidermolysis bullosa, non-Herlitz type. Last evaluated: 2021-07-08. Review status: criteria provided, single submitter. Criteria: ACMG Guidelines, 2015. Collection method: clinical testing. Allele origin: germline. Affected: no.

Illumina Laboratory Services, Illumina
Classification: Benign for Junctional epidermolysis bullosa. Last evaluated: 2018-01-12. Review status: criteria provided, single submitter. Criteria: ICSL Variant Classification Criteria 13 December 2019. Collection method: clinical testing. Allele origin: germline.
Comment: This variant was observed in the ICSL laboratory as part of a predisposition screen in an ostensibly healthy population. It had not been previously curated by ICSL or reported in the Human Gene Mutation Database (HGMD: prior to June 1st, 2018), and was therefore a candidate for classification through an automated scoring system. Utilizing variant allele frequency, disease prevalence and penetrance estimates, and inheritance mode, an automated score was calculated to assess if this variant is too frequent to cause the disease. Based on the score and internal cut-off values, a variant classified as benign is not then subjected to further curation. The score for this variant resulted in a classification of benign for this disease.

GeneDx
Classification: Benign. Last evaluated: 2015-03-03. Review status: criteria provided, single submitter. Criteria: GeneDx Variant Classification Process June 2021. Collection method: clinical testing. Allele origin: germline. Affected: yes.

Breakthrough Genomics
Classification: Benign. Review status: criteria provided, single submitter. Criteria: ACMG Guidelines, 2015. Collection method: not provided. Allele origin: germline. Inheritance: Autosomal recessive inheritance. Affected: yes.

PreventionGenetics, part of Exact Sciences
Classification: Benign. Review status: criteria provided, single submitter. Criteria: ACMG Guidelines, 2015. Collection method: clinical testing. Allele origin: germline.

NM_005562.3(LAMC2):c.2198G>C (p.Ser733Thr)

Gene: LAMC2 (laminin subunit gamma 2; plus strand). Cytogenetic location: 1q25.3.
Variant type: single nucleotide variant.
Coding change: c.2198G>C on transcript NM_005562.3 (MANE Select); coding-DNA position 2198, G replaced by C.
Protein change: p.Ser733Thr; replaces serine 733 with threonine.
Molecular consequence: missense variant.
Genome position (GRCh38, 1-based): chr1:183,232,835, G>C. VCF-style: chr1-183232835-G-C. GRCh37 (hg19) VCF-style: chr1-183201970-G-C.
Other names: c.2198G>C, p.Ser733Thr (NM_018891.3); short protein forms S733T.
Identifiers: ClinVar variation 259784 (VCV000259784.21), dbSNP rs2296303, ClinGen allele CA1282838.